The following is an entry in ClinVar:

NM_015072.5(TTLL5):c.602T>A (p.Leu201Gln)

Gene: TTLL5 (tubulin tyrosine ligase like 5; plus strand). Cytogenetic location: 14q24.3.
Variant type: single nucleotide variant.
Coding change: c.602T>A on transcript NM_015072.5 (MANE Select); coding-DNA position 602, T replaced by A.
Protein change: p.Leu201Gln; replaces leucine 201 with glutamine.
Molecular consequence: missense variant.
Genome position (GRCh38, 1-based): chr14:75,707,034, T>A. VCF-style: chr14-75707034-T-A. GRCh37 (hg19) VCF-style: chr14-76173377-T-A.
Other names: short protein forms L201Q.
Identifiers: ClinVar variation 939265 (VCV000939265.10), dbSNP rs527434155, ClinGen allele CA7279000.

ClinVar aggregate classification (germline): Uncertain significance. Review status: criteria provided, multiple submitters, no conflicts (2 of 4 stars). 3 submissions from 3 submitters: Uncertain significance (3). Last evaluated 2025-10-13.

Conditions:
TTLL5-related disorder. Also called: TTLL5-related condition.

Allele frequency attached by ClinVar (database versions not stated): gnomAD 0.00001 and 0.00002; gnomAD exomes 0.00001 and 0.00006; TOPMed 0.00002; ExAC 0.00008; 1000 Genomes Project 30x 0.00016; 1000 Genomes Project 0.00020.
gnomAD v4.1: 17 of 1,612,476 alleles (0.0011%); highest among the groups gnomAD compares: East Asian, 0.033%; no homozygotes.

Submissions (3):

PreventionGenetics, part of Exact Sciences
Classification: Uncertain significance for TTLL5-related condition. Last evaluated: 2025-10-13. Review status: criteria provided, single submitter. Criteria: ACMG Guidelines, 2015. Collection method: clinical testing. Allele origin: germline.
Comment: The TTLL5 c.602T>A variant is predicted to result in the amino acid substitution p.Leu201Gln. To our knowledge, this variant has not been reported in the literature. This variant is reported in 0.085% of alleles in individuals of East Asian descent in gnomAD, which may be too frequent to be a primary cause of disease. Although we suspect that this variant may be benign, at this time, the clinical significance of this variant is uncertain due to the absence of conclusive functional and genetic evidence.

Labcorp Genetics (formerly Invitae), Labcorp
Classification: Uncertain significance. Last evaluated: 2023-08-04. Review status: criteria provided, single submitter. Criteria: Invitae Variant Classification Sherloc (09022015). Collection method: clinical testing. Allele origin: germline.
Comment: In summary, the available evidence is currently insufficient to determine the role of this variant in disease. Therefore, it has been classified as a Variant of Uncertain Significance. Advanced modeling of protein sequence and biophysical properties (such as structural, functional, and spatial information, amino acid conservation, physicochemical variation, residue mobility, and thermodynamic stability) performed at Invitae indicates that this missense variant is not expected to disrupt TTLL5 protein function. ClinVar contains an entry for this variant (Variation ID: 939265). This variant has not been reported in the literature in individuals affected with TTLL5-related conditions. This variant is present in population databases (rs527434155, gnomAD 0.09%). This sequence change replaces leucine, which is neutral and non-polar, with glutamine, which is neutral and polar, at codon 201 of the TTLL5 protein (p.Leu201Gln).

Blueprint Genetics
Classification: Uncertain significance. Last evaluated: 2022-01-05. Review status: criteria provided, single submitter. Criteria: ACMG Guidelines, 2015. Collection method: clinical testing. Allele origin: germline.